The following is an entry in ClinVar:

ClinVar aggregate classification (germline): Benign (0 of 4 stars; one submission).

Conditions:
MYO16-related disorder. Also called: MYO16-related condition.

Allele frequency attached by ClinVar (database versions not stated): ESP Exome Variant Server 0.36345; TOPMed 0.38043; gnomAD 0.38773; gnomAD exomes 0.39313; ExAC 0.43099; 1000 Genomes Project 30x 0.44722; 1000 Genomes Project 0.45347.
gnomAD v4.1: 627,773 of 1,598,464 alleles (39%); highest among the groups gnomAD compares: East Asian, 64%; 126,969 homozygotes.

Submission:

PreventionGenetics, part of Exact Sciences
Classification: Benign for MYO16-related condition. Last evaluated: 2019-10-17. Review status: no assertion criteria provided. Collection method: clinical testing. Allele origin: germline.
Comment: This variant is classified as benign based on ACMG/AMP sequence variant interpretation guidelines (Richards et al. 2015 PMID: 25741868, with internal and published modifications).

NM_001198950.3(MYO16):c.2557C>G (p.Pro853Ala)

Gene: MYO16 (myosin XVI; plus strand). Cytogenetic location: 13q33.3.
Variant type: single nucleotide variant.
Coding change: c.2557C>G on transcript NM_001198950.3 (MANE Select); coding-DNA position 2557, C replaced by G.
Protein change: p.Pro853Ala; replaces proline 853 with alanine.
Molecular consequence: missense variant.
Genome position (GRCh38, 1-based): chr13:109,009,011, C>G. VCF-style: chr13-109009011-C-G. GRCh37 (hg19) VCF-style: chr13-109661359-C-G.
Other names: c.2491C>G, p.Pro831Ala (NM_015011.3); short protein forms P831A, P853A.
Identifiers: ClinVar variation 3059068 (VCV003059068.2), dbSNP rs3825491, ClinGen allele CA7045092.